The following is an entry in ClinVar:

NM_001170629.2(CHD8):c.4725del (p.Asn1575fs)

Gene: CHD8 (chromodomain helicase DNA binding protein 8; minus strand). Cytogenetic location: 14q11.2.
Variant type: Deletion.
Coding change: c.4725del on transcript NM_001170629.2 (MANE Select); coding-DNA position 4725, one base deleted (C; older notation c.4725delC).
Protein change: p.Asn1575fs; shifts the reading frame from asparagine 1575.
Molecular consequence: frameshift variant.
Genome position (GRCh38, 1-based): chr14:21,400,153, G deleted on the plus strand (C on the coding strand, the reverse complement: CHD8 is on the minus strand). VCF-style (leftmost placement, unchanged base first): chr14-21400152-TG-T. GRCh37 (hg19) VCF-style: chr14-21868311-TG-T.
Other names: c.3888del, p.Asn1296fs (NM_020920.4); short protein forms N1296fs, N1575fs.
Identifiers: ClinVar variation 4880607 (VCV004880607.2).

ClinVar aggregate classification (germline): Likely pathogenic (1 of 4 stars; one submission).

Submission:

Dasa
Classification: Likely pathogenic. Last evaluated: 2025-05-06. Review status: criteria provided, single submitter. Criteria: DASA Assertion Criteria. Collection method: clinical testing. Allele origin: germline.
Comment: NM_001170629.2(CHD8):c.4725del (p.Asn1575Lysfs*13) is a frameshift variant in CHD8 predicted to alter the reading frame and introduce a premature termination codon and is predicted to result in an absent or altered protein product. Loss of function is an established disease mechanism for CHD8 (PMID: 23160955; PMID: 24998929; PMID: 27824329). Also, this variant is absent from population databases. Based on the currently available evidence, this variant is classified as likely pathogenic.

Literature cited by the submitters: PubMed 23160955; PubMed 24998929; PubMed 27824329.